The following is an entry in ClinVar:

NM_005422.4(TECTA):c.5802G>A (p.Met1934Ile)

Genes: TBCEL-TECTA (TBCEL-TECTA readthrough; plus strand), TECTA (tectorin alpha; plus strand). Cytogenetic location: 11q23.3.
Variant type: single nucleotide variant.
Coding change: c.5802G>A on transcript NM_005422.4 (MANE Select); coding-DNA position 5802, G replaced by A.
Protein change: p.Met1934Ile; replaces methionine 1934 with isoleucine.
Molecular consequence: missense variant.
Genome position (GRCh38, 1-based): chr11:121,168,728, G>A. VCF-style: chr11-121168728-G-A. GRCh37 (hg19) VCF-style: chr11-121039437-G-A.
Other names: c.6744G>A, p.Met2248Ile (NM_001378761.1); short protein forms M1934I, M2248I.
Identifiers: ClinVar variation 2502100 (VCV002502100.4), dbSNP rs1434081862, ClinGen allele CA383036608.
Genomic context (GRCh38, chr11:121,168,728, plus strand): 5'-CCGTTTTAGTGTAATTAACCTGACAGTTCCAACCCAAGAAGGCAGCTTCATCACCAAGAT[G>A]GCTCTCTACAAAAACGCCTCCTACAAACATCCTTACCGCCAGGGTGAAGTAGTGTTGACG-3'
Protein context (NP_005413.2, residues 1924-1944): PTQEGSFITK[Met1934Ile]ALYKNASYKH

ClinVar aggregate classification (germline): Uncertain significance. Review status: criteria provided, multiple submitters, no conflicts (2 of 4 stars). 2 submissions from 2 submitters: Uncertain significance (2). Last evaluated 2023-10-24.

Allele frequency attached by ClinVar (database versions not stated): TOPMed 0.00001.

Submissions (2):

Labcorp Genetics (formerly Invitae), Labcorp
Classification: Uncertain significance. Last evaluated: 2023-10-24. Review status: criteria provided, single submitter. Criteria: Invitae Variant Classification Sherloc (09022015). Collection method: clinical testing. Allele origin: germline.
Comment: This sequence change replaces methionine, which is neutral and non-polar, with isoleucine, which is neutral and non-polar, at codon 1934 of the TECTA protein (p.Met1934Ile). This variant is present in population databases (no rsID available, gnomAD 0.01%). This variant has not been reported in the literature in individuals affected with TECTA-related conditions. ClinVar contains an entry for this variant (Variation ID: 2502100). Advanced modeling of protein sequence and biophysical properties (such as structural, functional, and spatial information, amino acid conservation, physicochemical variation, residue mobility, and thermodynamic stability) has been performed at Invitae for this missense variant, however the output from this modeling did not meet the statistical confidence thresholds required to predict the impact of this variant on TECTA protein function. In summary, the available evidence is currently insufficient to determine the role of this variant in disease. Therefore, it has been classified as a Variant of Uncertain Significance.

GeneDx
Classification: Uncertain significance. Last evaluated: 2022-11-15. Review status: criteria provided, single submitter. Criteria: GeneDx Variant Classification Process June 2021. Collection method: clinical testing. Allele origin: germline. Affected: yes.
Comment: In silico analysis supports that this missense variant does not alter protein structure/function; Has not been previously published as pathogenic or benign to our knowledge; This variant is associated with the following publications: (PMID: 21520338, 31554319, 9590290, 16718611)